The following is an entry in ClinVar:

NM_022725.4(FANCF):c.1063C>T (p.Arg355Cys)

Genes: FANCF (FA complementation group F; minus strand), LOC130005443 (ATAC-STARR-seq lymphoblastoid active region 4533; plus strand). Cytogenetic location: 11p14.3.
Variant type: single nucleotide variant.
Coding change: c.1063C>T on transcript NM_022725.4 (MANE Select); coding-DNA position 1063, C replaced by T.
Protein change: p.Arg355Cys; replaces arginine 355 with cysteine.
Molecular consequence: missense variant.
Genome position (GRCh38, 1-based): chr11:22,624,748, G>A on the plus strand (C>T on the coding strand, the complement: FANCF is on the minus strand). VCF-style: chr11-22624748-G-A. GRCh37 (hg19) VCF-style: chr11-22646294-G-A.
Other names: short protein forms R355C.
Identifiers: ClinVar variation 877895 (VCV000877895.7), dbSNP rs1858614312, ClinGen allele CA380057754.

ClinVar aggregate classification (germline): Uncertain significance. Review status: criteria provided, multiple submitters, no conflicts (2 of 4 stars). 3 submissions from 3 submitters: Uncertain significance (3). Last evaluated 2024-10-19.

Conditions:
Fanconi anemia (FA). Also called: Fanconi's anemia. Identifiers: Orphanet 84, MedGen C0015625, MeSH D005199, MONDO:0019391.
Fanconi anemia complementation group F. Also called: FANCF-Related Fanconi Anemia. Identifiers: Orphanet 84, MedGen C3469526, MONDO:0011325, OMIM 603467.

gnomAD v4.1: 2 of 1,614,128 alleles (0.00012%); highest among the groups gnomAD compares: Non-Finnish European, 0.00017%; no homozygotes.

Submissions (3):

Labcorp Genetics (formerly Invitae), Labcorp
Classification: Uncertain significance for Fanconi anemia. Last evaluated: 2024-10-19. Review status: criteria provided, single submitter. Criteria: Invitae Variant Classification Sherloc (09022015). Collection method: clinical testing. Allele origin: germline.
Comment: This sequence change replaces arginine, which is basic and polar, with cysteine, which is neutral and slightly polar, at codon 355 of the FANCF protein (p.Arg355Cys). This variant is not present in population databases (gnomAD no frequency). This variant has not been reported in the literature in individuals affected with FANCF-related conditions. ClinVar contains an entry for this variant (Variation ID: 877895). An algorithm developed to predict the effect of missense changes on protein structure and function (PolyPhen-2) suggests that this variant is likely to be disruptive. In summary, the available evidence is currently insufficient to determine the role of this variant in disease. Therefore, it has been classified as a Variant of Uncertain Significance.

Fulgent Genetics
Classification: Uncertain significance for Fanconi anemia complementation group F. Last evaluated: 2021-12-02. Review status: criteria provided, single submitter. Criteria: ACMG Guidelines, 2015. Collection method: clinical testing. Allele origin: unknown.

Illumina Laboratory Services, Illumina
Classification: Uncertain significance for Fanconi anemia complementation group F. Last evaluated: 2018-01-12. Review status: criteria provided, single submitter. Criteria: ICSL Variant Classification Criteria 13 December 2019. Collection method: clinical testing. Allele origin: germline.